The following is an entry in ClinVar:

NM_015295.3(SMCHD1):c.424+10C>T

Gene: SMCHD1 (structural maintenance of chromosomes flexible hinge domain containing 1; plus strand). Cytogenetic location: 18p11.32.
Variant type: single nucleotide variant.
Coding change: c.424+10C>T on transcript NM_015295.3 (MANE Select); 10 bases into the intron after coding-DNA position 424, C replaced by T.
Molecular consequence: intron variant.
Genome position (GRCh38, 1-based): chr18:2,667,041, C>T. VCF-style: chr18-2667041-C-T. GRCh37 (hg19) VCF-style: chr18-2667040-C-T.
Identifiers: ClinVar variation 260649 (VCV000260649.20), dbSNP rs201631086, ClinGen allele CA8870540.

ClinVar aggregate classification (germline): Conflicting classifications of pathogenicity. Review status: criteria provided, conflicting classifications (1 of 4 stars). 5 submissions from 5 submitters: Uncertain significance (1); Benign (2); Likely benign (1). 1 of the submissions does not count toward it. Last evaluated 2026-01-24.

Conditions:
SMCHD1-related disorder. Also called: SMCHD1-related condition.
Facioscapulohumeral muscular dystrophy 2 (FSHD2). Also called: FACIOSCAPULOHUMERAL MUSCULAR DYSTROPHY 2, DIGENIC; FSHD2, DIGENIC; MUSCULAR DYSTROPHY, FACIOSCAPULOHUMERAL, TYPE 1B. Identifiers: Orphanet 269, MedGen C1834671, MONDO:0008031, OMIM 158901.

Allele frequency attached by ClinVar (database versions not stated): gnomAD exomes 0.00021; 1000 Genomes Project 30x 0.00187; 1000 Genomes Project 0.00200; gnomAD 0.00208 and 0.00225; ESP Exome Variant Server 0.00210; TOPMed 0.00236.
gnomAD v4.1: 622 of 1,547,264 alleles (0.04%); highest among the groups gnomAD compares: African/African-American, 0.74%; 3 homozygotes.

Submissions (5):

Labcorp Genetics (formerly Invitae), Labcorp
Classification: Benign for Facioscapulohumeral muscular dystrophy 2. Last evaluated: 2026-01-24. Review status: criteria provided, single submitter. Criteria: Invitae Variant Classification Sherloc (09022015). Collection method: clinical testing. Allele origin: germline.

Athena Diagnostics
Classification: Benign. Last evaluated: 2025-02-21. Review status: criteria provided, single submitter. Criteria: Athena Diagnostics Criteria. Collection method: clinical testing. Allele origin: unknown.
Comment: The frequency of this variant in the general population is higher than would generally be expected for pathogenic variants in this gene. Computational tools yielded predictions that this variant is unlikely to have an effect on normal RNA splicing. This nucleotide position exhibits low evolutionary conservation.

Blueprint Genetics
Classification: Likely benign. Last evaluated: 2024-11-26. Review status: criteria provided, single submitter. Criteria: ACMG Guidelines, 2015. Collection method: clinical testing. Allele origin: germline.

Eurofins Ntd Llc (ga)
Classification: Uncertain significance. Last evaluated: 2018-03-09. Review status: criteria provided, single submitter. Criteria: EGL ClinVar v180209 classification definitions. Collection method: clinical testing. Allele origin: germline. Observed: 8 variant alleles, 8 heterozygotes.

PreventionGenetics, part of Exact Sciences
Classification: Likely benign for SMCHD1-related condition. Last evaluated: 2019-07-02. Review status: no assertion criteria provided. Collection method: clinical testing. Allele origin: germline. Not counted in ClinVar's aggregate classification.
Comment: This variant is classified as likely benign based on ACMG/AMP sequence variant interpretation guidelines (Richards et al. 2015 PMID: 25741868, with internal and published modifications).